The following is an entry in ClinVar:

NM_020458.4(TTC7A):c.2338C>T (p.Arg780Cys)

Gene: TTC7A (tetratricopeptide repeat domain 7A; plus strand). Cytogenetic location: 2p21.
Variant type: single nucleotide variant.
Coding change: c.2338C>T on transcript NM_020458.4 (MANE Select); coding-DNA position 2338, C replaced by T.
Protein change: p.Arg780Cys; replaces arginine 780 with cysteine.
Molecular consequence: missense variant.
Genome position (GRCh38, 1-based): chr2:47,060,954, C>T. VCF-style: chr2-47060954-C-T. GRCh37 (hg19) VCF-style: chr2-47288093-C-T.
Other names: c.2338C>T, p.Arg780Cys (LRG_1323t1); c.2410C>T, p.Arg804Cys (NM_001288951.2); c.2236C>T, p.Arg746Cys (NM_001288953.2); c.1276C>T, p.Arg426Cys (NM_001288955.2); c.2338C>T (NM_020458.2); short protein forms R426C, R804C, R746C, R780C.
Identifiers: ClinVar variation 658179 (VCV000658179.8), dbSNP rs777474719, ClinGen allele CA1648102.

ClinVar aggregate classification (germline): Uncertain significance. Review status: criteria provided, multiple submitters, no conflicts (2 of 4 stars). 2 submissions from 2 submitters: Uncertain significance (2). Last evaluated 2025-01-15.

Conditions:
Multiple gastrointestinal atresias. Also called: FAMILIAL INTESTINAL POLYATRESIA SYNDROME; Multiple intestinal atresia. Identifiers: Orphanet 2300, MedGen C0220744, MONDO:0009465.
Inborn genetic diseases. Identifiers: MedGen C0950123, MeSH D030342.

Allele frequency attached by ClinVar (database versions not stated): gnomAD 0.00003; gnomAD exomes 0.00003 and 0.00004; TOPMed 0.00003; ExAC 0.00006.
gnomAD v4.1: 43 of 1,612,512 alleles (0.0027%); highest among the groups gnomAD compares: East Asian, 0.0067%; no homozygotes.

Submissions (2):

Labcorp Genetics (formerly Invitae), Labcorp
Classification: Uncertain significance for Multiple gastrointestinal atresias. Last evaluated: 2025-01-15. Review status: criteria provided, single submitter. Criteria: Invitae Variant Classification Sherloc (09022015). Collection method: clinical testing. Allele origin: germline.
Comment: This sequence change replaces arginine, which is basic and polar, with cysteine, which is neutral and slightly polar, at codon 780 of the TTC7A protein (p.Arg780Cys). This variant is present in population databases (rs777474719, gnomAD 0.007%). This variant has not been reported in the literature in individuals affected with TTC7A-related conditions. ClinVar contains an entry for this variant (Variation ID: 658179). Invitae Evidence Modeling of protein sequence and biophysical properties (such as structural, functional, and spatial information, amino acid conservation, physicochemical variation, residue mobility, and thermodynamic stability) indicates that this missense variant is not expected to disrupt TTC7A protein function with a negative predictive value of 80%. In summary, the available evidence is currently insufficient to determine the role of this variant in disease. Therefore, it has been classified as a Variant of Uncertain Significance.

Ambry Genetics
Classification: Uncertain significance for Inborn genetic diseases. Last evaluated: 2023-12-14. Review status: criteria provided, single submitter. Criteria: Ambry Variant Classification Scheme 2023. Collection method: clinical testing. Allele origin: germline.